The following is an entry in ClinVar:

NM_001128840.3(CACNA1D):c.1921G>C (p.Ala641Pro)

Gene: CACNA1D (calcium voltage-gated channel subunit alpha1 D; plus strand). Cytogenetic location: 3p21.1.
Variant type: single nucleotide variant.
Coding change: c.1921G>C on transcript NM_001128840.3 (MANE Select); coding-DNA position 1921, G replaced by C.
Protein change: p.Ala641Pro; replaces alanine 641 with proline.
Molecular consequence: missense variant.
Genome position (GRCh38, 1-based): chr3:53,723,820, G>C. VCF-style: chr3-53723820-G-C. GRCh37 (hg19) VCF-style: chr3-53757847-G-C.
Other names: c.1981G>C, p.Ala661Pro (NM_000720.4); c.1921G>C, p.Ala641Pro (NM_001128839.3); short protein forms A641P, A661P.
Identifiers: ClinVar variation 4976239 (VCV004976239.1).

ClinVar aggregate classification (germline): Uncertain significance (1 of 4 stars; one submission).

Submission:

GeneDx
Classification: Uncertain significance. Last evaluated: 2026-02-04. Review status: criteria provided, single submitter. Criteria: GeneDx Variant Classification Process June 2021. Collection method: clinical testing. Allele origin: germline.
Comment: Not observed at significant frequency in large population cohorts (gnomAD); In silico analysis supports that this missense variant has a deleterious effect on protein structure/function; Has not been previously published as pathogenic or benign to our knowledge